The following is an entry in ClinVar:

NM_000081.4(LYST):c.8065A>G (p.Asn2689Asp)

Gene: LYST (lysosomal trafficking regulator; minus strand). Cytogenetic location: 1q42.3.
Variant type: single nucleotide variant.
Coding change: c.8065A>G on transcript NM_000081.4 (MANE Select); coding-DNA position 8065, A replaced by G.
Protein change: p.Asn2689Asp; replaces asparagine 2689 with aspartic acid.
Molecular consequence: missense variant.
Genome position (GRCh38, 1-based): chr1:235,744,065, T>C on the plus strand (A>G on the coding strand, the complement: LYST is on the minus strand). VCF-style: chr1-235744065-T-C. GRCh37 (hg19) VCF-style: chr1-235907365-T-C.
Other names: c.8065A>G, p.Asn2689Asp (NM_001301365.1); short protein forms N2689D.
Identifiers: ClinVar variation 958584 (VCV000958584.6), dbSNP rs1392157757, ClinGen allele CA344924923.

ClinVar aggregate classification (germline): Uncertain significance (1 of 4 stars; one submission).

Conditions:
Chédiak-Higashi syndrome (CHS). Also called: Chediak-Higashi Syndrome. Identifiers: Orphanet 167, MedGen C0007965, MONDO:0008963, OMIM 214500.

Allele frequency attached by ClinVar (database versions not stated): gnomAD exomes 0.00003.
gnomAD v4.1: 47 of 1,592,998 alleles (0.003%); highest among the groups gnomAD compares: Non-Finnish European, 0.0037%; no homozygotes.

Submission:

Labcorp Genetics (formerly Invitae), Labcorp
Classification: Uncertain significance for Chédiak-Higashi syndrome. Last evaluated: 2019-08-21. Review status: criteria provided, single submitter. Criteria: Invitae Variant Classification Sherloc (09022015). Collection method: clinical testing. Allele origin: germline.
Comment: This sequence change replaces asparagine with aspartic acid at codon 2689 of the LYST protein (p.Asn2689Asp). The asparagine residue is weakly conserved and there is a small physicochemical difference between asparagine and aspartic acid. This variant is not present in population databases (ExAC no frequency). This variant has not been reported in the literature in individuals with LYST-related conditions. Algorithms developed to predict the effect of missense changes on protein structure and function output the following: SIFT: "Tolerated"; PolyPhen-2: "Benign"; Align-GVGD: "Class C0". The aspartic acid amino acid residue is found in multiple mammalian species, suggesting that this missense change does not adversely affect protein function. These predictions have not been confirmed by published functional studies and their clinical significance is uncertain. In summary, the available evidence is currently insufficient to determine the role of this variant in disease. Therefore, it has been classified as a Variant of Uncertain Significance.